The following is an entry in ClinVar:

NM_000719.7(CACNA1C):c.4666_4669dup (p.Met1557fs)

Genes: CACNA1C (calcium voltage-gated channel subunit alpha1 C; plus strand), CACNA1C-AS2 (CACNA1C antisense RNA 2; minus strand). Cytogenetic location: 12p13.33.
Variant type: Duplication.
Coding change: c.4666_4669dup on transcript NM_000719.7 (MANE Select); coding-DNA positions 4666 to 4669, 4 bases duplicated (GTCA; older notation c.4666_4669dupGTCA).
Protein change: p.Met1557fs; shifts the reading frame from methionine 1557.
Molecular consequence: frameshift variant. On other transcripts: non-coding transcript variant (1).
Genome position (GRCh38, 1-based): chr12:2,668,975-2,668,978, GTCA duplicated; duplicating any 4 consecutive bases within chr12:2,668,973-2,668,978 gives the same sequence; the c. name uses the placement nearest the transcript's 3' end. VCF-style (leftmost placement, unchanged base first): chr12-2668972-A-ACAGT. GRCh37 (hg19) VCF-style: chr12-2778138-A-ACAGT.
Other names: c.4810_4813dup, p.Met1605fs (NM_001129827.2, NM_199460.4); c.4732_4735dup, p.Met1579fs (NM_001129829.2); c.4666_4669dup, p.Met1557fs (NM_001129830.3, NM_001129833.2, NM_001129834.2 and 7 more transcripts); c.4750_4753dup, p.Met1585fs (NM_001129831.2); c.4726_4729dup, p.Met1577fs (NM_001129832.2); c.4717_4720dup, p.Met1574fs (NM_001129836.2); c.4633_4636dup, p.Met1546fs (NM_001129837.2, NM_001129838.2, NM_001129846.2 and 1 more transcripts); c.4627_4630dup, p.Met1544fs (NM_001129839.2); and 2 more; short protein forms M1577fs, M1579fs, M1605fs, M1557fs, M1546fs, M1574fs, M1544fs, M1554fs.
Identifiers: ClinVar variation 835382 (VCV000835382.10), dbSNP rs2096394881, ClinGen allele CA916081660.
Genomic context (GRCh38, chr12:2,668,972, plus strand): 5'-TTTGCTTCTCTTCGCCTGCAGCGCCTGGTCTCCATGAACATGCCTCTGAACAGCGACGGG[A>ACAGT]CAGTCATGTTCAATGCCACCCTGTTTGCCCTGGTCAGGACGGCCCTGAGGATCAAAACAG-3'

ClinVar aggregate classification (germline): Uncertain significance. Review status: criteria provided, multiple submitters, no conflicts (2 of 4 stars). 2 submissions from 2 submitters: Uncertain significance (2). Last evaluated 2022-09-27.

Conditions:
Cardiovascular phenotype. Identifiers: MedGen CN230736.
Long QT syndrome (LQTS). Identifiers: MedGen C0023976, MeSH D008133, MONDO:0002442. Disease mechanism: loss of function. Inheritance: Various modes of inheritance.

Submissions (2):

Labcorp Genetics (formerly Invitae), Labcorp
Classification: Uncertain significance for Long QT syndrome. Last evaluated: 2022-09-27. Review status: criteria provided, single submitter. Criteria: Invitae Variant Classification Sherloc (09022015). Collection method: clinical testing. Allele origin: germline.
Comment: This sequence change creates a premature translational stop signal (p.Met1557Serfs*28) in the CACNA1C gene. It is expected to result in an absent or disrupted protein product. However, the current clinical and genetic evidence is not sufficient to establish whether loss-of-function variants in CACNA1C cause disease. This variant is not present in population databases (gnomAD no frequency). This variant has not been reported in the literature in individuals affected with CACNA1C-related conditions. ClinVar contains an entry for this variant (Variation ID: 835382). In summary, the available evidence is currently insufficient to determine the role of this variant in disease. Therefore, it has been classified as a Variant of Uncertain Significance.

Ambry Genetics
Classification: Uncertain significance for Cardiovascular phenotype. Last evaluated: 2021-11-10. Review status: criteria provided, single submitter. Criteria: Ambry Variant Classification Scheme 2023. Collection method: clinical testing. Allele origin: germline.
Comment: The c.4666_4669dupGTCA variant, located in coding exon 38 of the CACNA1C gene, results from a duplication of GTCA at nucleotide position 4666, causing a translational frameshift with a predicted alternate stop codon (p.M1557Sfs*28). This alteration is expected to result in loss of function by premature protein truncation or nonsense-mediated mRNA decay. However, loss of function of CACNA1C has not been clearly established as a mechanism of disease. Since supporting evidence is limited at this time, the clinical significance of this alteration remains unclear.